The following is an entry in ClinVar:

NM_000064.4(C3):c.4827C>T (p.Ser1609=)

Gene: C3 (complement C3; minus strand). Cytogenetic location: 19p13.3.
Variant type: single nucleotide variant.
Coding change: c.4827C>T on transcript NM_000064.4 (MANE Select); coding-DNA position 4827, C replaced by T.
Protein change: p.Ser1609=; no amino-acid change (serine 1609 retained).
Molecular consequence: synonymous variant.
Genome position (GRCh38, 1-based): chr19:6,678,175, G>A on the plus strand (C>T on the coding strand, the complement: C3 is on the minus strand). VCF-style: chr19-6678175-G-A. GRCh37 (hg19) VCF-style: chr19-6678186-G-A.
Other names: c.4827C>T (LRG_27t1, NM_000064.3).
Identifiers: ClinVar variation 330273 (VCV000330273.37), dbSNP rs150537373, ClinGen allele CA9128245.

ClinVar aggregate classification (germline): Conflicting classifications of pathogenicity. Review status: criteria provided, conflicting classifications (1 of 4 stars). 7 submissions from 5 submitters: Uncertain significance (2); Likely benign (4). 1 of the submissions does not count toward it. Last evaluated 2026-01-21.

Conditions:
Age related macular degeneration 9. Identifiers: MedGen C1969651, MONDO:0012659, OMIM 611378.
Atypical hemolytic-uremic syndrome with C3 anomaly. Also called: AHUS, SUSCEPTIBILITY TO, 5. Identifiers: Orphanet 2134, MedGen C2752037, MONDO:0013043, OMIM 612925.
C3-related disorder. Also called: C3-related condition.
Complement component 3 deficiency. Identifiers: Orphanet 280133, MedGen C3151071, MONDO:0013417, OMIM 613779.

Allele frequency attached by ClinVar (database versions not stated): ESP Exome Variant Server 0.00008; TOPMed 0.00010; ExAC 0.00014; gnomAD exomes 0.00016; gnomAD 0.00035.
gnomAD v4.1: 260 of 1,614,086 alleles (0.016%); highest among the groups gnomAD compares: Non-Finnish European, 0.021%; no homozygotes.

Submissions (7):

Labcorp Genetics (formerly Invitae), Labcorp
Classification: Likely benign. Last evaluated: 2026-01-21. Review status: criteria provided, single submitter. Criteria: Invitae Variant Classification Sherloc (09022015). Collection method: clinical testing. Allele origin: germline.

Blueprint Genetics
Classification: Likely benign. Last evaluated: 2024-11-14. Review status: criteria provided, single submitter. Criteria: ACMG Guidelines, 2015. Collection method: clinical testing. Allele origin: germline.

CeGaT Center for Human Genetics Tuebingen
Classification: Likely benign. Last evaluated: 2024-07-01. Review status: criteria provided, single submitter. Criteria: CeGaT Center For Human Genetics Tuebingen Variant Classification Criteria Version 2. Collection method: clinical testing. Allele origin: germline. Affected: yes. Observed: 2 variant alleles.
Comment: C3: BP4, BP7

Illumina Laboratory Services, Illumina
Classification: Uncertain significance for Complement component 3 deficiency. Last evaluated: 2018-01-13. Review status: criteria provided, single submitter. Criteria: ICSL Variant Classification Criteria 13 December 2019. Collection method: clinical testing. Allele origin: germline.

Illumina Laboratory Services, Illumina
Classification: Likely benign for Atypical hemolytic-uremic syndrome with C3 anomaly. Last evaluated: 2018-01-13. Review status: criteria provided, single submitter. Criteria: ICSL Variant Classification Criteria 13 December 2019. Collection method: clinical testing. Allele origin: germline.
Comment: This variant was observed in the ICSL laboratory as part of a predisposition screen in an ostensibly healthy population. It had not been previously curated by ICSL or reported in the Human Gene Mutation Database (HGMD: prior to June 1st, 2018), and was therefore a candidate for classification through an automated scoring system. Utilizing variant allele frequency, disease prevalence and penetrance estimates, and inheritance mode, an automated score was calculated to assess if this variant is too frequent to cause the disease. Based on the score and internal cut-off values, a variant classified as likely benign is not then subjected to further curation. The score for this variant resulted in a classification of likely benign for this disease.

Illumina Laboratory Services, Illumina
Classification: Uncertain significance for Age related macular degeneration 9. Last evaluated: 2018-01-13. Review status: criteria provided, single submitter. Criteria: ICSL Variant Classification Criteria 13 December 2019. Collection method: clinical testing. Allele origin: germline.

PreventionGenetics, part of Exact Sciences
Classification: Likely benign for C3-related condition. Last evaluated: 2024-09-27. Review status: no assertion criteria provided. Collection method: clinical testing. Allele origin: germline. Not counted in ClinVar's aggregate classification.
Comment: This variant is classified as likely benign based on ACMG/AMP sequence variant interpretation guidelines (Richards et al. 2015 PMID: 25741868, with internal and published modifications).